The following is an entry in ClinVar:

ClinVar aggregate classification (germline): Uncertain significance (1 of 4 stars; one submission).

Conditions:
Severe combined immunodeficiency due to DNA-PKcs deficiency. Also called: IMMUNODEFICIENCY 26 WITH NEUROLOGIC ABNORMALITIES; Immunodeficiency 26 with or without neurologic abnormalities. Identifiers: Orphanet 317425, MedGen C4014833, MONDO:0014423, OMIM 615966.

Allele frequency attached by ClinVar (database versions not stated): gnomAD exomes below 0.00001.
gnomAD v4.1: 1 of 1,593,088 alleles (0.000063%); highest among the groups gnomAD compares: Non-Finnish European, 0.000086%; no homozygotes.

Submission:

Labcorp Genetics (formerly Invitae), Labcorp
Classification: Uncertain significance for Severe combined immunodeficiency due to DNA-PKcs deficiency. Last evaluated: 2022-07-30. Review status: criteria provided, single submitter. Criteria: Invitae Variant Classification Sherloc (09022015). Collection method: clinical testing. Allele origin: germline.
Comment: This sequence change replaces arginine, which is basic and polar, with glycine, which is neutral and non-polar, at codon 1445 of the PRKDC protein (p.Arg1445Gly). This variant is not present in population databases (gnomAD no frequency). This variant has not been reported in the literature in individuals affected with PRKDC-related conditions. Experimental studies and prediction algorithms are not available or were not evaluated, and the functional significance of this variant is currently unknown. In summary, the available evidence is currently insufficient to determine the role of this variant in disease. Therefore, it has been classified as a Variant of Uncertain Significance.

NM_006904.7(PRKDC):c.4333A>G (p.Arg1445Gly)

Gene: PRKDC (protein kinase, DNA-activated, catalytic subunit; minus strand). Cytogenetic location: 8q11.21.
Variant type: single nucleotide variant.
Coding change: c.4333A>G on transcript NM_006904.7 (MANE Select); coding-DNA position 4333, A replaced by G.
Protein change: p.Arg1445Gly; replaces arginine 1445 with glycine.
Molecular consequence: missense variant.
Genome position (GRCh38, 1-based): chr8:47,888,598, T>C on the plus strand (A>G on the coding strand, the complement: PRKDC is on the minus strand). VCF-style: chr8-47888598-T-C. GRCh37 (hg19) VCF-style: chr8-48801159-T-C.
Other names: c.4333A>G, p.Arg1445Gly (NM_001081640.2); short protein forms R1445G.
Identifiers: ClinVar variation 2053825 (VCV002053825.4), dbSNP rs2551873580, ClinGen allele CA371145758.